The following is an entry in ClinVar:

NM_024675.4(PALB2):c.1417C>T (p.Pro473Ser)

Gene: PALB2 (partner and localizer of BRCA2; minus strand). Cytogenetic location: 16p12.2.
Variant type: single nucleotide variant.
Coding change: c.1417C>T on transcript NM_024675.4 (MANE Select); coding-DNA position 1417, C replaced by T.
Protein change: p.Pro473Ser; replaces proline 473 with serine.
Molecular consequence: missense variant.
Genome position (GRCh38, 1-based): chr16:23,635,129, G>A on the plus strand (C>T on the coding strand, the complement: PALB2 is on the minus strand). VCF-style: chr16-23635129-G-A. GRCh37 (hg19) VCF-style: chr16-23646450-G-A.
Other names: c.1357C>T, p.Pro453Ser (NM_001407296.1); c.1417C>T, p.Pro473Ser (NM_001407297.1, NM_001407298.1, NM_001407299.1 and 3 more transcripts); c.532C>T, p.Pro178Ser (NM_001407304.1, NM_001407305.1, NM_001407306.1 and 5 more transcripts); short protein forms P473S, P178S, P453S.
Identifiers: ClinVar variation 1772160 (VCV001772160.8), dbSNP rs1966970348, ClinGen allele CA395131313.
Genomic context (GRCh38, chr16:23,635,129, plus strand): 5'-GCCCAGCGGGAGAGCTGACTTTAGTTAATGAGAGAAGTTTCTGAGAGGTTCTTGAACTTG[G>A]TTGTCCTGTGCATGTGCCAGACATCCTAATTTCACTTTGGTCAGTTTCCTCATTGGAAAG-3'
Protein context (NP_078951.2, residues 463-483): IRMSGTCTGQ[Pro473Ser]SSRTSQKLLS

ClinVar aggregate classification (germline): Uncertain significance. Review status: criteria provided, multiple submitters, no conflicts (2 of 4 stars). 4 submissions from 4 submitters: Uncertain significance (4). Last evaluated 2025-03-14.

Conditions:
Hereditary cancer-predisposing syndrome. Also called: Hereditary Cancer Syndrome; Hereditary neoplastic syndrome; Neoplastic Syndromes, Hereditary; Tumor predisposition. Identifiers: Orphanet 140162, MedGen C0027672, MeSH D009386, MONDO:0015356.
Familial cancer of breast. Also called: BREAST CANCER, FAMILIAL; Hereditary breast cancer; hereditary breast carcinoma. Identifiers: Orphanet 227535, MedGen C0346153, MONDO:0016419, OMIM 114480. Disease mechanism: loss of function.

Allele frequency attached by ClinVar (database versions not stated): gnomAD exomes below 0.00001; gnomAD 0.00001.
gnomAD v4.1: 2 of 1,614,068 alleles (0.00012%); highest among the groups gnomAD compares: Non-Finnish European, 0.00017%; no homozygotes.

Submissions (4):

GeneDx
Classification: Uncertain significance. Last evaluated: 2025-03-14. Review status: criteria provided, single submitter. Criteria: GeneDx Variant Classification Process June 2021. Collection method: clinical testing. Allele origin: germline. Affected: yes.
Comment: Not observed at significant frequency in large population cohorts (gnomAD); In silico analysis indicates that this missense variant does not alter protein structure/function; Has not been previously published as pathogenic or benign to our knowledge

Labcorp Genetics (formerly Invitae), Labcorp
Classification: Uncertain significance for Familial cancer of breast. Last evaluated: 2025-02-17. Review status: criteria provided, single submitter. Criteria: Invitae Variant Classification Sherloc (09022015). Collection method: clinical testing. Allele origin: germline.
Comment: This sequence change replaces proline, which is neutral and non-polar, with serine, which is neutral and polar, at codon 473 of the PALB2 protein (p.Pro473Ser). This variant is not present in population databases (gnomAD no frequency). This variant has not been reported in the literature in individuals affected with PALB2-related conditions. ClinVar contains an entry for this variant (Variation ID: 1772160). Invitae Evidence Modeling of protein sequence and biophysical properties (such as structural, functional, and spatial information, amino acid conservation, physicochemical variation, residue mobility, and thermodynamic stability) indicates that this missense variant is not expected to disrupt PALB2 protein function with a negative predictive value of 80%. In summary, the available evidence is currently insufficient to determine the role of this variant in disease. Therefore, it has been classified as a Variant of Uncertain Significance.

Color Diagnostics, LLC DBA Color Health
Classification: Uncertain significance for Hereditary cancer-predisposing syndrome. Last evaluated: 2025-02-11. Review status: criteria provided, single submitter. Criteria: ACMG Guidelines, 2015. Collection method: clinical testing. Allele origin: germline.
Comment: This missense variant replaces proline with serine at codon 473 of the PALB2 protein. Computational prediction suggests that this variant may not impact protein structure and function. To our knowledge, functional studies have not been reported for this variant. This variant has not been reported in individuals affected with PALB2-related disorders in the literature. This variant has not been identified in the general population by the Genome Aggregation Database (gnomAD). The available evidence is insufficient to determine the role of this variant in disease conclusively. Therefore, this variant is classified as a Variant of Uncertain Significance.

Ambry Genetics
Classification: Uncertain significance for Hereditary cancer-predisposing syndrome. Last evaluated: 2024-10-11. Review status: criteria provided, single submitter. Criteria: Ambry Variant Classification Scheme 2023. Collection method: clinical testing. Allele origin: germline.
Comment: The p.P473S variant (also known as c.1417C>T), located in coding exon 4 of the PALB2 gene, results from a C to T substitution at nucleotide position 1417. The proline at codon 473 is replaced by serine, an amino acid with similar properties. This amino acid position is poorly conserved in available vertebrate species. In addition, this alteration is predicted to be tolerated by in silico analysis. Since supporting evidence is limited at this time, the clinical significance of this alteration remains unclear.